The following is an entry in ClinVar:

NM_005343.4(HRAS):c.450+174G>A

Genes: HRAS (HRas proto-oncogene, GTPase; minus strand), LRRC56 (leucine rich repeat containing 56; plus strand). Cytogenetic location: 11p15.5.
Variant type: single nucleotide variant.
Coding change: c.450+174G>A on transcript NM_005343.4 (MANE Select); 174 bases into the intron after coding-DNA position 450, G replaced by A.
Molecular consequence: intron variant. On other transcripts: missense variant (1), 3 prime UTR variant (1).
Genome position (GRCh38, 1-based): chr11:533,279, C>T on the plus strand (G>A on the coding strand, the complement: HRAS is on the minus strand). VCF-style: chr11-533279-C-T. GRCh37 (hg19) VCF-style: chr11-533279-C-T.
Other names: c.211G>A, p.Ala71Thr (NM_001318054.2); c.*17G>A (NM_176795.5); c.450+174G>A (NM_001130442.3); c.211G>A (NM_001318054.1); short protein forms A71T.
Identifiers: ClinVar variation 379346 (VCV000379346.4), dbSNP rs371117417, ClinGen allele CA5779255.
Genomic context (GRCh38, chr11:533,279, plus strand): 5'-GTGAGCCCAGACCCCGGCCCTCGCCTCCCTCACTGCCCTGCCGTCCCGGGAGACTTACAG[C>T]GCGAGGGGCCGCTGGGTCACATGGGTCCCGGGGGGTCCCAGAGGGTCCCGGAGCTGGAGC-3'

ClinVar aggregate classification (germline): Likely benign. Review status: criteria provided, multiple submitters, no conflicts (2 of 4 stars). 3 submissions from 3 submitters: Likely benign (2). 1 of the submissions does not count toward it. Last evaluated 2024-08-05.

Conditions:
HRAS-related disorder. Also called: HRAS-related condition.

Allele frequency attached by ClinVar (database versions not stated): gnomAD 0.00007 and 0.00008; TOPMed 0.00014; ESP Exome Variant Server 0.00024; ExAC 0.00043.
gnomAD v4.1: 390 of 1,586,566 alleles (0.025%); highest among the groups gnomAD compares: Non-Finnish European, 0.024%; no homozygotes.

Submissions (3):

Blueprint Genetics
Classification: Likely benign. Last evaluated: 2024-08-05. Review status: criteria provided, single submitter. Criteria: ACMG Guidelines, 2015. Collection method: clinical testing. Allele origin: germline.

GeneDx
Classification: Likely benign. Last evaluated: 2016-04-01. Review status: criteria provided, single submitter. Criteria: GeneDx Variant Classification (06012015). Collection method: clinical testing. Allele origin: germline. Affected: yes.
Comment: This variant is considered likely benign or benign based on one or more of the following criteria: it is a conservative change, it occurs at a poorly conserved position in the protein, it is predicted to be benign by multiple in silico algorithms, and/or has population frequency not consistent with disease.

PreventionGenetics, part of Exact Sciences
Classification: Likely benign for HRAS-related condition. Last evaluated: 2019-07-26. Review status: no assertion criteria provided. Collection method: clinical testing. Allele origin: germline. Not counted in ClinVar's aggregate classification.
Comment: This variant is classified as likely benign based on ACMG/AMP sequence variant interpretation guidelines (Richards et al. 2015 PMID: 25741868, with internal and published modifications).